The following is an entry in ClinVar:

ClinVar aggregate classification (germline): Uncertain significance. Review status: criteria provided, multiple submitters, no conflicts (2 of 4 stars). 8 submissions from 8 submitters: Uncertain significance (8). Last evaluated 2026-03-25.

Conditions:
Cardiovascular phenotype. Identifiers: MedGen CN230736.
Hypertrophic cardiomyopathy 7. Also called: TNNI3-Related Familial Hypertrophic Cardiomyopathy; Familial hypertrophic cardiomyopathy 7; CARDIOMYOPATHY, FAMILIAL HYPERTROPHIC, 7, MODIFIER OF. Identifiers: MedGen C1860752, MONDO:0013369, OMIM 613690.
Hypertrophic cardiomyopathy. Also called: HYPERTROPHIC MYOCARDIOPATHY. Identifiers: Orphanet 217569, MedGen C0007194, MeSH D002312, MONDO:0005045, HP:0001639.
Cardiomyopathy (CMYO). Also called: Cardiomyopathies. Identifiers: Orphanet 167848, MedGen C0878544, MONDO:0004994, HP:0001638. Inheritance: Various modes of inheritance.

Allele frequency attached by ClinVar (database versions not stated): ExAC 0.00002; gnomAD 0.00002 and 0.00001; gnomAD exomes 0.00002; TOPMed 0.00001.
gnomAD v4.1: 13 of 1,614,072 alleles (0.00081%); highest among the groups gnomAD compares: Middle Eastern, 0.016%; no homozygotes.

Submissions (8):

Ambry Genetics
Classification: Uncertain significance for Cardiovascular phenotype. Last evaluated: 2026-03-25. Review status: criteria provided, single submitter. Criteria: Ambry Variant Classification Scheme 2023. Collection method: clinical testing. Allele origin: germline.
Comment: The p.A116G variant (also known as c.347C>G), located in coding exon 6 of the TNNI3 gene, results from a C to G substitution at nucleotide position 347. The alanine at codon 116 is replaced by glycine, an amino acid with similar properties. This variant was reported in individual(s) with features consistent with dilated cardiomyopathy (DCM) (Millat G et al. Eur J Med Genet, 2011 Aug;54:e570-5). Functional studies suggest this substitution results in a molecular conformational change in structure; however, the physiological relevance of this finding is unclear (Akhter S et al. FEBS Open Bio, 2015 Jan;5:64-75). This amino acid position is highly conserved in available vertebrate species. In addition, the in silico prediction for this alteration is inconclusive. Based on the available evidence, the clinical significance of this variant remains unclear.

Labcorp Genetics (formerly Invitae), Labcorp
Classification: Uncertain significance for Hypertrophic cardiomyopathy. Last evaluated: 2025-10-13. Review status: criteria provided, single submitter. Criteria: Invitae Variant Classification Sherloc (09022015). Collection method: clinical testing. Allele origin: germline.
Comment: This sequence change replaces alanine, which is neutral and non-polar, with glycine, which is neutral and non-polar, at codon 116 of the TNNI3 protein (p.Ala116Gly). This variant is present in population databases (rs777177571, gnomAD 0.003%). This missense change has been observed in individual(s) with dilated cardiomyopathy (PMID: 21846512). ClinVar contains an entry for this variant (Variation ID: 575867). An algorithm developed to predict the effect of missense changes on protein structure and function (PolyPhen-2) suggests that this variant is likely to be tolerated. Experimental studies have shown that this missense change affects TNNI3 function (PMID: 25685665). In summary, the available evidence is currently insufficient to determine the role of this variant in disease. Therefore, it has been classified as a Variant of Uncertain Significance.

Dasa
Classification: Uncertain significance. Last evaluated: 2025-07-07. Review status: criteria provided, single submitter. Criteria: DASA Assertion Criteria. Collection method: clinical testing. Allele origin: germline.
Comment: NM_000363.5(TNNI3):c.347C>G (p.Ala116Gly) is a missense variant that results in the substitution of alanine with glycine. Functional evidence supports a deleterious effect on the gene or gene product (PMID: 25685665; PMID: 21846512). This variant has been recurrently observed in individuals with related phenotype (PMID: 25685665; PMID: 21846512). Multiple computational predictions support a deleterious effect on the gene or gene product. The variant is present at low frequency in population datasets. Based on the available data, this variant is classified as variant of uncertain significance.

Color Diagnostics, LLC DBA Color Health
Classification: Uncertain significance for Cardiomyopathy. Last evaluated: 2025-06-24. Review status: criteria provided, single submitter. Criteria: ACMG Guidelines, 2015. Collection method: clinical testing. Allele origin: germline.
Comment: This missense variant replaces alanine with glycine at codon 116 of the TNNI3 protein. Computational prediction suggests that this variant may not impact protein structure and function. A functional study using recombinant mouse protein has shown that this variant causes conformational changes but no alteration to binding affinity to TnT (PMID: 25685665). This variant has been reported in an individual affected with dilated cardiomyopathy (PMID: 21846512). This variant has been identified in 5/280832 chromosomes in the general population by the Genome Aggregation Database (gnomAD). The available evidence is insufficient to determine the role of this variant in disease conclusively. Therefore, this variant is classified as a Variant of Uncertain Significance.

Molecular Diagnostic Laboratory for Inherited Cardiovascular Disease, Montreal Heart Institute
Classification: Uncertain significance for Cardiovascular phenotype. Last evaluated: 2025-04-09. Review status: criteria provided, single submitter. Criteria: ACMG Guidelines, 2015. Collection method: clinical testing. Allele origin: germline. Affected: yes.
Comment: PM2, PP2, BP5

All of Us Research Program, National Institutes of Health
Classification: Uncertain significance for Hypertrophic cardiomyopathy. Last evaluated: 2023-10-27. Review status: criteria provided, single submitter. Criteria: ACMG Guidelines, 2015. Collection method: clinical testing. Allele origin: germline. Inheritance: Autosomal dominant inheritance. Observed: 4 variant alleles, 4 heterozygotes.
Comment: This missense variant replaces alanine with glycine at codon 116 of the TNNI3 protein. Computational prediction suggests that this variant may not impact protein structure and function (internally defined REVEL score threshold <= 0.5, PMID: 27666373). A functional study using recombinant mouse protein has shown that this variant causes conformational changes but no alteration to binding affinity to TnT (PMID: 25685665). This variant has been reported in an individual affected with dilated cardiomyopathy (PMID: 21846512). This variant has been identified in 5/280832 chromosomes in the general population by the Genome Aggregation Database (gnomAD). The available evidence is insufficient to determine the role of this variant in disease conclusively. Therefore, this variant is classified as a Variant of Uncertain Significance.

This study involves interpretation of variants in research participants for the purpose of population health screening. Participant phenotype was not available at the time of variant classification. Additional details can be found in publication PMID: 35346344, PMCID: PMC8962531

CHEO Genetics Diagnostic Laboratory, Children's Hospital of Eastern Ontario
Classification: Uncertain significance for Cardiomyopathy. Last evaluated: 2021-06-16. Review status: criteria provided, single submitter. Criteria: ACMG Guidelines, 2015. Collection method: clinical testing. Allele origin: germline.

Baylor Genetics
Classification: Uncertain significance for Hypertrophic cardiomyopathy 7. Last evaluated: 2018-07-25. Review status: criteria provided, single submitter. Criteria: ACMG Guidelines, 2015. Collection method: clinical testing. Allele origin: maternal. Affected: yes.
Comment: This variant was determined to be of uncertain significance according to ACMG Guidelines, 2015 [PMID:25741868].

Literature cited by the submitters: PubMed 21846512 (cited by 5 submitters); PubMed 25685665 (cited by 5 submitters).

NM_000363.5(TNNI3):c.347C>G (p.Ala116Gly)

Gene: TNNI3 (troponin I3, cardiac type; minus strand). Cytogenetic location: 19q13.42.
Variant type: single nucleotide variant.
Coding change: c.347C>G on transcript NM_000363.5 (MANE Select); coding-DNA position 347, C replaced by G.
Protein change: p.Ala116Gly; replaces alanine 116 with glycine.
Molecular consequence: missense variant.
Genome position (GRCh38, 1-based): chr19:55,154,766, G>C on the plus strand (C>G on the coding strand, the complement: TNNI3 is on the minus strand). VCF-style: chr19-55154766-G-C. GRCh37 (hg19) VCF-style: chr19-55666134-G-C.
Other names: c.347C>G (LRG_432t1); short protein forms A116G.
Identifiers: ClinVar variation 575867 (VCV000575867.17), dbSNP rs777177571, ClinGen allele CA051291.